The following is an entry in ClinVar:

NM_206933.4(USH2A):c.7252C>A (p.Gln2418Lys)

Gene: USH2A (usherin; minus strand). Cytogenetic location: 1q41.
Variant type: single nucleotide variant.
Coding change: c.7252C>A on transcript NM_206933.4 (MANE Select); coding-DNA position 7252, C replaced by A.
Protein change: p.Gln2418Lys; replaces glutamine 2418 with lysine.
Molecular consequence: missense variant.
Genome position (GRCh38, 1-based): chr1:215,934,664, G>T on the plus strand (C>A on the coding strand, the complement: USH2A is on the minus strand). VCF-style: chr1-215934664-G-T. GRCh37 (hg19) VCF-style: chr1-216108006-G-T.
Other names: short protein forms Q2418K.
Identifiers: ClinVar variation 4987481 (VCV004987481.1).

ClinVar aggregate classification (germline): Uncertain significance (1 of 4 stars; one submission).

Conditions:
USH2A-related disorder. Also called: USH2A-related condition; USH2A-related disorders. Identifiers: MedGen CN239332.

gnomAD v4.1: 17 of 1,612,604 alleles (0.0011%); highest among the groups gnomAD compares: Non-Finnish European, 0.0011%; no homozygotes.

Submission:

PreventionGenetics, part of Exact Sciences
Classification: Uncertain significance for USH2A-related condition. Last evaluated: 2026-01-15. Review status: criteria provided, single submitter. Criteria: ACMG Guidelines, 2015. Collection method: clinical testing. Allele origin: germline.
Comment: The USH2A c.7252C>A variant is predicted to result in the amino acid substitution p.Gln2418Lys. To our knowledge, this variant has not been reported in the literature. This variant is reported in 0.0023% of alleles in individuals of European (Non-Finnish) descent in gnomAD. At this time, the clinical significance of this variant is uncertain due to the absence of conclusive functional and genetic evidence.